The following is an entry in ClinVar:

ClinVar aggregate classification (germline): Uncertain significance. Review status: criteria provided, multiple submitters, no conflicts (2 of 4 stars). 3 submissions from 3 submitters: Uncertain significance (2). 1 of the submissions does not count toward it. Last evaluated 2025-11-20.

Conditions:
GABRB1-related disorder. Also called: GABRB1-related condition.

Allele frequency attached by ClinVar (database versions not stated): gnomAD exomes 0.00003; gnomAD 0.00005; TOPMed 0.00009.

Submissions (3):

Ambry Genetics
Classification: Uncertain significance. Last evaluated: 2025-11-20. Review status: criteria provided, single submitter. Criteria: Ambry Variant Classification Scheme 2023. Collection method: clinical testing. Allele origin: germline.

Labcorp Genetics (formerly Invitae), Labcorp
Classification: Uncertain significance. Last evaluated: 2025-10-13. Review status: criteria provided, single submitter. Criteria: Invitae Variant Classification Sherloc (09022015). Collection method: clinical testing. Allele origin: germline.
Comment: This sequence change replaces methionine, which is neutral and non-polar, with valine, which is neutral and non-polar, at codon 18 of the GABRB1 protein (p.Met18Val). This variant is present in population databases (no rsID available, gnomAD 0.006%). This variant has not been reported in the literature in individuals affected with GABRB1-related conditions. ClinVar contains an entry for this variant (Variation ID: 2413618). Invitae Evidence Modeling of protein sequence and biophysical properties (such as structural, functional, and spatial information, amino acid conservation, physicochemical variation, residue mobility, and thermodynamic stability) indicates that this missense variant is not expected to disrupt GABRB1 protein function with a negative predictive value of 95%. In summary, the available evidence is currently insufficient to determine the role of this variant in disease. Therefore, it has been classified as a Variant of Uncertain Significance.

PreventionGenetics, part of Exact Sciences
Classification: Uncertain significance for GABRB1-related condition. Last evaluated: 2024-01-24. Review status: no assertion criteria provided. Collection method: clinical testing. Allele origin: germline. Not counted in ClinVar's aggregate classification.
Comment: The GABRB1 c.52A>G variant is predicted to result in the amino acid substitution p.Met18Val. To our knowledge, this variant has not been reported in the literature. This variant is reported in 0.0056% of alleles in individuals of Latino descent in gnomAD. At this time, the clinical significance of this variant is uncertain due to the absence of conclusive functional and genetic evidence.

NM_000812.4(GABRB1):c.52A>G (p.Met18Val)

Gene: GABRB1 (gamma-aminobutyric acid type A receptor subunit beta1; plus strand). Cytogenetic location: 4p12.
Variant type: single nucleotide variant.
Coding change: c.52A>G on transcript NM_000812.4 (MANE Select); coding-DNA position 52, A replaced by G.
Protein change: p.Met18Val; replaces methionine 18 with valine.
Molecular consequence: missense variant.
Genome position (GRCh38, 1-based): chr4:47,031,703, A>G. VCF-style: chr4-47031703-A-G. GRCh37 (hg19) VCF-style: chr4-47033720-A-G.
Other names: c.52A>G (NM_000812.3); short protein forms M18V.
Identifiers: ClinVar variation 2413618 (VCV002413618.10), dbSNP rs977009229, ClinGen allele CA97228648.